The following is an entry in ClinVar:

ClinVar aggregate classification (germline): Uncertain significance (0 of 4 stars; one submission).

Conditions:
PTX3-related disorder. Also called: PTX3-related condition.

Submission:

PreventionGenetics, part of Exact Sciences
Classification: Uncertain significance for PTX3-related condition. Last evaluated: 2024-03-08. Review status: no assertion criteria provided. Collection method: clinical testing. Allele origin: germline.
Comment: The PTX3 c.202A>G variant is predicted to result in the amino acid substitution p.Met68Val. To our knowledge, this variant has not been reported in the literature or in a large population database, indicating this variant is rare. At this time, the clinical significance of this variant is uncertain due to the absence of conclusive functional and genetic evidence.

NM_002852.4(PTX3):c.202A>G (p.Met68Val)

Genes: PTX3 (pentraxin 3; plus strand), VEPH1 (ventricular zone expressed PH domain containing 1; minus strand). Cytogenetic location: 3q25.32.
Variant type: single nucleotide variant.
Coding change: c.202A>G on transcript NM_002852.4 (MANE Select); coding-DNA position 202, A replaced by G.
Protein change: p.Met68Val; replaces methionine 68 with valine.
Molecular consequence: missense variant. On other transcripts: intron variant (3).
Genome position (GRCh38, 1-based): chr3:157,437,584, A>G. VCF-style: chr3-157437584-A-G. GRCh37 (hg19) VCF-style: chr3-157155373-A-G.
Other names: c.530-9096T>C (NM_001167911.2, NM_001167912.2, NM_024621.2); short protein forms M68V.
Identifiers: ClinVar variation 3349826 (VCV003349826.1).
Genomic context (GRCh38, chr3:157,437,584, plus strand): 5'-GCCTGCGGTCAGGAGCACTCGGAATGGGACAAGCTCTTCATCATGCTGGAGAACTCGCAG[A>G]TGAGAGAGCGCATGCTGCTGCAAGCCACGGACGACGTCCTGCGGGGCGAGCTGCAGAGGC-3'
Protein context (NP_002843.2, residues 58-78): KLFIMLENSQ[Met68Val]RERMLLQATD